The following is an entry in ClinVar:

ClinVar aggregate classification (germline): Uncertain significance (1 of 4 stars; one submission).

Conditions:
Inborn genetic diseases. Identifiers: MedGen C0950123, MeSH D030342.

gnomAD v4.1: 1 of 1,613,424 alleles (0.000062%); highest among the groups gnomAD compares: African/African-American, 0.0013%; no homozygotes.

Submission:

Ambry Genetics
Classification: Uncertain significance for Inborn genetic diseases. Last evaluated: 2025-05-08. Review status: criteria provided, single submitter. Criteria: Ambry Variant Classification Scheme 2023. Collection method: clinical testing. Allele origin: germline.
Comment: The p.I10N variant (also known as c.29T>A), located in coding exon 1 of the ETV6 gene, results from a T to A substitution at nucleotide position 29. The isoleucine at codon 10 is replaced by asparagine, an amino acid with dissimilar properties. This amino acid position is conserved. In addition, this alteration is predicted to be tolerated by in silico analysis. Based on the available evidence, the clinical significance of this variant remains unclear.

NM_001987.5(ETV6):c.29T>A (p.Ile10Asn)

Gene: ETV6 (ETS variant transcription factor 6; plus strand). Cytogenetic location: 12p13.2.
Variant type: single nucleotide variant.
Coding change: c.29T>A on transcript NM_001987.5 (MANE Select); coding-DNA position 29, T replaced by A.
Protein change: p.Ile10Asn; replaces isoleucine 10 with asparagine.
Molecular consequence: missense variant. On other transcripts: 5 prime UTR variant (2).
Genome position (GRCh38, 1-based): chr12:11,650,156, T>A. VCF-style: chr12-11650156-T-A. GRCh37 (hg19) VCF-style: chr12-11803090-T-A.
Other names: c.29T>A, p.Ile10Asn (NM_001413913.1, NM_001413916.1, NM_001413917.1 and 1 more transcripts); c.-124T>A (NM_001413914.1); c.-106T>A (NM_001413915.1); short protein forms I10N.
Identifiers: ClinVar variation 4020093 (VCV004020093.1).